The following is an entry in ClinVar:

ClinVar aggregate classification (germline): Benign/Likely benign. Review status: criteria provided, multiple submitters, no conflicts (2 of 4 stars). 6 submissions from 6 submitters: Benign (2); Likely benign (1). 3 of the submissions do not count toward it. Last evaluated 2025-12-23.

Conditions:
Hypertrophic cardiomyopathy 2. Also called: TNNT2-Related Familial Hypertrophic Cardiomyopathy. Identifiers: MedGen C1861864, MONDO:0007266, OMIM 115195.

Submissions (12):

Women's Health and Genetics/Laboratory Corporation of America, LabCorp
Classification: Likely benign. Last evaluated: 2025-12-23. Review status: criteria provided, single submitter. Criteria: LabCorp Variant Classification Summary - May 2015. Collection method: clinical testing. Allele origin: germline.
Comment: Variant summary: DSP c.2437-11delT alters a nucleotide located at a position not widely known to affect splicing. Consensus agreement among computation tools predict no significant impact on normal splicing. However, these predictions have yet to be confirmed by functional studies. The frequency data for this variant in gnomAD is considered unreliable, as metrics indicate poor data quality at this position. To our knowledge, no occurrence of c.2437-11delT in individuals affected with DSP-related conditions and no experimental evidence demonstrating its impact on protein function have been reported. ClinVar contains an entry for this variant (Variation ID: 163253). Based on the evidence outlined above, the variant was classified as likely benign.

GeneDx
Classification: Benign. Last evaluated: 2015-03-03. Review status: criteria provided, single submitter. Criteria: GeneDx Variant Classification Process June 2021. Collection method: clinical testing. Allele origin: germline. Affected: yes.

Laboratory for Molecular Medicine, Mass General Brigham Personalized Medicine
Classification: Benign. Last evaluated: 2013-04-20. Review status: criteria provided, single submitter. Criteria: LMM Criteria. Collection method: clinical testing. Allele origin: germline. Observed: 222 variant alleles.
Comment: 2437-11delT in intron 17 of DSP: This variant is not expected to have clinical s ignificance because it has been identified in 18% (1498/8254) of European Americ an chromosomes from a broad population by the NHLBI Exome Sequencing Project.

Diagnostic Laboratory, Department of Genetics, University Medical Center Groningen
Classification: Likely benign. Review status: no assertion criteria provided. Collection method: clinical testing. Allele origin: germline. Affected: yes. Study: VKGL Data-share Consensus. Not counted in ClinVar's aggregate classification.

Dr. Peter K. Rogan Lab, Western University
No classification provided (evidence only). Condition: Cervical cancer. Review status: no classification provided. Collection method: in vitro. Allele origin: not applicable. Functional consequence: retained intron. Not counted in ClinVar's aggregate classification.

Dr. Peter K. Rogan Lab, Western University
No classification provided (evidence only). Condition: Cholangiocarcinoma. Review status: no classification provided. Collection method: in vitro. Allele origin: not applicable. Functional consequence: retained intron. Not counted in ClinVar's aggregate classification.

Dr. Peter K. Rogan Lab, Western University
No classification provided (evidence only). Condition: Cholangiocarcinoma. Review status: no classification provided. Collection method: in vitro. Allele origin: not applicable. Functional consequence: retained intron. Not counted in ClinVar's aggregate classification.

Dr. Peter K. Rogan Lab, Western University
No classification provided (evidence only). Condition: Gastric cancer. Review status: no classification provided. Collection method: in vitro. Allele origin: not applicable. Functional consequence: retained intron. Not counted in ClinVar's aggregate classification.

Dr. Peter K. Rogan Lab, Western University
No classification provided (evidence only). Condition: Gastric cancer. Review status: no classification provided. Collection method: in vitro. Allele origin: not applicable. Functional consequence: retained intron. Not counted in ClinVar's aggregate classification.

Dr. Peter K. Rogan Lab, Western University
No classification provided (evidence only). Condition: Gastric cancer. Review status: no classification provided. Collection method: in vitro. Allele origin: not applicable. Functional consequence: retained intron. Not counted in ClinVar's aggregate classification.

Institute of Human Genetics, University of Wuerzburg
No classification provided. Condition: Hypertrophic cardiomyopathy 2. Review status: no classification provided. Collection method: clinical testing. Allele origin: unknown. Affected: yes. Observed: 1 variant allele. Not counted in ClinVar's aggregate classification.

Joint Genome Diagnostic Labs from Nijmegen and Maastricht, Radboudumc and MUMC+
Classification: Benign. Review status: no assertion criteria provided. Collection method: clinical testing. Allele origin: germline. Affected: yes. Study: VKGL Data-share Consensus. Not counted in ClinVar's aggregate classification.

NM_004415.4(DSP):c.2437-11del

Gene: DSP (desmoplakin; plus strand). Cytogenetic location: 6p24.3.
Variant type: Deletion.
Coding change: c.2437-11del on transcript NM_004415.4 (MANE Select); 11 bases into the intron before coding-DNA position 2437, one base deleted (T; older notation c.2437-11delT).
Molecular consequence: intron variant.
Genome position (GRCh38, 1-based): chr6:7,575,284, T deleted; the last of 11 consecutive T bases (chr6:7,575,274-7,575,284); deleting any one gives the same sequence. VCF-style (leftmost placement, unchanged base first): chr6-7575273-CT-C. GRCh37 (hg19) VCF-style: chr6-7575506-CT-C.
Other names: NC_000006.11:g.7575517del; c.2437-11del (LRG_423t1, NM_001319034.2, NM_001008844.3); c.2437-11delT (NM_004415.4).
Identifiers: ClinVar variation 163253 (VCV000163253.13), dbSNP rs727502998, ClinGen allele CA005384.